The following is an entry in ClinVar:

NM_001267550.2(TTN):c.74047G>A (p.Glu24683Lys)

Genes: TTN (titin; minus strand), TTN-AS1 (TTN antisense RNA 1; plus strand). Cytogenetic location: 2q31.2.
Variant type: single nucleotide variant.
Coding change: c.74047G>A on transcript NM_001267550.2 (MANE Select); coding-DNA position 74047, G replaced by A.
Protein change: p.Glu24683Lys; replaces glutamic acid 24683 with lysine.
Molecular consequence: missense variant.
Genome position (GRCh38, 1-based): chr2:178,572,085, C>T on the plus strand (G>A on the coding strand, the complement: TTN is on the minus strand). VCF-style: chr2-178572085-C-T. GRCh37 (hg19) VCF-style: chr2-179436812-C-T.
Other names: c.69124G>A, p.Glu23042Lys (NM_001256850.1); c.46852G>A, p.Glu15618Lys (NM_003319.4); c.66343G>A, p.Glu22115Lys (NM_133378.4); c.47227G>A, p.Glu15743Lys (NM_133432.3); c.47428G>A, p.Glu15810Lys (NM_133437.4); short protein forms E15618K, E15743K, E15810K, E22115K, E23042K, E24683K.
Identifiers: ClinVar variation 1098774 (VCV001098774.4), dbSNP rs755064877, ClinGen allele CA1990271.

ClinVar aggregate classification (germline): Uncertain significance. Review status: criteria provided, multiple submitters, no conflicts (2 of 4 stars). 2 submissions from 2 submitters: Uncertain significance (2). Last evaluated 2022-11-10.

Allele frequency attached by ClinVar (database versions not stated): ExAC 0.00001; gnomAD 0.00001; gnomAD exomes 0.00001.
gnomAD v4.1: 5 of 1,613,142 alleles (0.00031%); highest among the groups gnomAD compares: South Asian, 0.0055%; no homozygotes.

Submissions (2):

Revvity Omics, Revvity
Classification: Uncertain significance. Last evaluated: 2022-11-10. Review status: criteria provided, single submitter. Criteria: ACMG Guidelines, 2015. Collection method: clinical testing. Allele origin: germline.

Women's Health and Genetics/Laboratory Corporation of America, LabCorp
Classification: Uncertain significance. Last evaluated: 2021-05-17. Review status: criteria provided, single submitter. Criteria: LabCorp Variant Classification Summary - May 2015. Collection method: clinical testing. Allele origin: germline.
Comment: Variant summary: TTN c.66343G>A (p.Glu22115Lys) results in a conservative amino acid change located in the A-band region of the encoded protein sequence. Two of four in-silico tools predict a benign effect of the variant on protein function. The variant allele was found at a frequency of 1.2e-05 in 247740 control chromosomes. The available data on variant occurrences in the general population are insufficient to allow any conclusion about variant significance. To our knowledge, no occurrence of c.66343G>A in individuals affected with Dilated Cardiomyopathy and no experimental evidence demonstrating its impact on protein function have been reported. No clinical diagnostic laboratories have submitted clinical-significance assessments for this variant to ClinVar after 2014. Based on the evidence outlined above, the variant was classified as uncertain significance.